The following is an entry in ClinVar:

ClinVar aggregate classification (germline): Uncertain significance (1 of 4 stars; one submission).

Submission:

GeneDx
Classification: Uncertain significance. Last evaluated: 2025-07-18. Review status: criteria provided, single submitter. Criteria: GeneDx Variant Classification Process June 2021. Collection method: clinical testing. Allele origin: germline. Affected: yes.
Comment: Not observed at significant frequency in large population cohorts (gnomAD); In silico analysis supports that this missense variant has a deleterious effect on protein structure/function; Has not been previously published as pathogenic or benign to our knowledge

NM_004958.4(MTOR):c.7228C>T (p.His2410Tyr)

Gene: MTOR (mechanistic target of rapamycin kinase; minus strand). Cytogenetic location: 1p36.22.
Variant type: single nucleotide variant.
Coding change: c.7228C>T on transcript NM_004958.4 (MANE Select); coding-DNA position 7228, C replaced by T.
Protein change: p.His2410Tyr; replaces histidine 2410 with tyrosine.
Molecular consequence: missense variant.
Genome position (GRCh38, 1-based): chr1:11,114,390, G>A on the plus strand (C>T on the coding strand, the complement: MTOR is on the minus strand). VCF-style: chr1-11114390-G-A. GRCh37 (hg19) VCF-style: chr1-11174447-G-A.
Other names: c.7228C>T, p.His2410Tyr (NM_001386500.1); c.5980C>T, p.His1994Tyr (NM_001386501.1); short protein forms H1994Y, H2410Y.
Identifiers: ClinVar variation 4686407 (VCV004686407.1).